The following is an entry in ClinVar:

NM_004614.5(TK2):c.416C>T (p.Ala139Val)

Gene: TK2 (thymidine kinase 2; minus strand). Cytogenetic location: 16q21.
Variant type: single nucleotide variant.
Coding change: c.416C>T on transcript NM_004614.5 (MANE Select); coding-DNA position 416, C replaced by T.
Protein change: p.Ala139Val; replaces alanine 139 with valine.
Molecular consequence: missense variant. On other transcripts: non-coding transcript variant (1).
Genome position (GRCh38, 1-based): chr16:66,529,027, G>A on the plus strand (C>T on the coding strand, the complement: TK2 is on the minus strand). VCF-style: chr16-66529027-G-A. GRCh37 (hg19) VCF-style: chr16-66562930-G-A.
Other names: p.A139V:GCA>GTA; c.323C>T, p.Ala108Val (NM_001172643.1, NM_001271935.1); c.341C>T, p.Ala114Val (NM_001172644.2); c.362C>T, p.Ala121Val (NM_001172645.2); c.269C>T, p.Ala90Val (NM_001271934.2); c.125C>T, p.Ala42Val (NM_001272050.2); short protein forms A139V, A90V, A108V, A114V, A121V, A42V.
Identifiers: ClinVar variation 38990 (VCV000038990.41), dbSNP rs281865494, ClinGen allele CA322107.

ClinVar aggregate classification (germline): Pathogenic/Likely pathogenic. Review status: criteria provided, multiple submitters, no conflicts (2 of 4 stars). 12 submissions from 12 submitters: Pathogenic (8); Likely pathogenic (1). 3 of the submissions do not count toward it. Last evaluated 2026-02-01.

Conditions:
TK2-related disorder. Also called: TK2-related condition.
Mitochondrial DNA depletion syndrome, myopathic form (MTDPS2). Also called: MITOCHONDRIAL DNA DEPLETION MYOPATHY, TK2-RELATED; MITOCHONDRIAL DNA DEPLETION SYNDROME 2 (MYOPATHIC TYPE); TK2-Related Mitochondrial DNA Maintenance Defect, Myopathic Form. Identifiers: Orphanet 254875, MedGen C3149750, MONDO:0012301, OMIM 609560.
Progressive external ophthalmoplegia with mitochondrial DNA deletions, autosomal recessive 3 (PEOB3). Also called: PROGRESSIVE EXTERNAL OPHTHALMOPLEGIA, AUTOSOMAL RECESSIVE 3. Identifiers: Orphanet 254886, MedGen C4310734, MONDO:0014898, OMIM 617069.
Mitochondrial DNA depletion syndrome. Also called: mitochondrial DNA depletion. Identifiers: Orphanet 35698, MedGen C0342782, MONDO:0018158.
Mitochondrial disease. Also called: Mitochondrial disorders; Mitochondrial disorder. Identifiers: Orphanet 68380, MedGen C0751651, MeSH D028361, MONDO:0044970.

Allele frequency attached by ClinVar (database versions not stated): ExAC 0.00001; gnomAD exomes 0.00003 and 0.00005; gnomAD 0.00007 and 0.00008; TOPMed 0.00008.
gnomAD v4.1: 78 of 1,613,916 alleles (0.0048%); highest among the groups gnomAD compares: Admixed American, 0.0067%; no homozygotes.

Submissions (12):

Labcorp Genetics (formerly Invitae), Labcorp
Classification: Pathogenic. Last evaluated: 2026-02-01. Review status: criteria provided, single submitter. Criteria: Invitae Variant Classification Sherloc (09022015). Collection method: clinical testing. Allele origin: germline.
Comment: This sequence change replaces alanine, which is neutral and non-polar, with valine, which is neutral and non-polar, at codon 139 of the TK2 protein (p.Ala139Val). This variant is present in population databases (rs281865494, gnomAD 0.004%). This missense change has been observed in individual(s) with mitochondrial DNA depletion syndrome (PMID: 16504786, 25446393). It has also been observed to segregate with disease in related individuals. This variant is also known as A181V. ClinVar contains an entry for this variant (Variation ID: 38990). Invitae Evidence Modeling of protein sequence and biophysical properties (such as structural, functional, and spatial information, amino acid conservation, physicochemical variation, residue mobility, and thermodynamic stability) indicates that this missense variant is expected to disrupt TK2 protein function with a positive predictive value of 95%. Algorithms developed to predict the effect of sequence changes on RNA splicing suggest that this variant may create or strengthen a splice site. For these reasons, this variant has been classified as Pathogenic.

Genomenon, Inc
Classification: Pathogenic for Mitochondrial disease. Last evaluated: 2025-11-24. Review status: criteria provided, single submitter. Criteria: Genomenon Sequence Variant Interpretation Standards - Updated. Collection method: curation. Allele origin: germline. Affected: yes.
Comment: TK2 p.Ala139Val (c.416C>T) is a missense variant that changes the amino acid at residue 139 from Alanine to Valine. It is also described as A181V in the literature. This variant has been observed in multiple probands affected with mitochondrial disease in both the homozygous and compound heterozygous state (16504786, 27839525, 32904881, 25446393). TK2 p.Ala139Val was found to segregate with disease in multiple affected families (16504786, 25446393). This variant is not present at a significant frequency in gnomAD and in silico models agree that this variant is possibly or probably damaging. In conclusion, we classify TK2 p.Ala139Val (c.416C>T) as a pathogenic variant.

CeGaT Center for Human Genetics Tuebingen
Classification: Pathogenic. Last evaluated: 2024-10-01. Review status: criteria provided, single submitter. Criteria: CeGaT Center For Human Genetics Tuebingen Variant Classification Criteria Version 2. Collection method: clinical testing. Allele origin: germline. Affected: yes. Observed: 1 variant allele.
Comment: TK2: PM3:Very Strong, PM1, PM2, PM5, PP3

Revvity Omics, Revvity
Classification: Pathogenic. Last evaluated: 2023-07-27. Review status: criteria provided, single submitter. Criteria: ACMG Guidelines, 2015. Collection method: clinical testing. Allele origin: germline.

Blueprint Genetics
Classification: Pathogenic for TK2-related disorders. Last evaluated: 2023-05-17. Review status: criteria provided, single submitter. Criteria: ACMG Guidelines, 2015. Collection method: clinical testing. Allele origin: germline. Affected: yes. Observed: 2 variant alleles.

Women's Health and Genetics/Laboratory Corporation of America, LabCorp
Classification: Pathogenic for Mitochondrial DNA depletion syndrome. Last evaluated: 2022-12-14. Review status: criteria provided, single submitter. Criteria: LabCorp Variant Classification Summary - May 2015. Collection method: clinical testing. Allele origin: germline.
Comment: Variant summary: TK2 c.416C>T (p.Ala139Val) results in a non-conservative amino acid change located in the Deoxynucleoside kinase domain (IPR031314) of the encoded protein sequence. Five of five in-silico tools predict a damaging effect of the variant on protein function. The variant allele was found at a frequency of 2.8e-05 in 251356 control chromosomes (gnomAD). c.416C>T has been reported in the literature in multiple homozygous and compound heterozygous individuals affected with Mitochondrial DNA Depletion Syndrome - TK2 Related, and segregated with disease within families (e.g. Galbiati_2006, Knierim_2015, Wahbi_2015, Mazurova_2017). These data indicate that the variant is very likely to be associated with disease. Four ClinVar submitters (evaluation after 2014) cite the variant as pathogenic/likely pathogenic. Based on the evidence outlined above, the variant was classified as pathogenic.

GeneDx
Classification: Pathogenic. Last evaluated: 2021-02-19. Review status: criteria provided, single submitter. Criteria: GeneDx Variant Classification Process June 2021. Collection method: clinical testing. Allele origin: germline. Affected: yes.
Comment: Quantitative PCR analysis demonstrates marked depletion of mtDNA copy numbers in skeletal muscle from affected individuals (Knierim et al., 2015).; Not observed at a significant frequency in large population cohorts (Lek et al., 2016); In silico analysis, which includes splice predictors and evolutionary conservation, suggests this variant may impact gene splicing. In the absence of RNA/functional studies, the actual effect of this sequence change is unknown.; In silico analysis supports that this missense variant has a deleterious effect on protein structure/function; This variant is associated with the following publications: (PMID: 30609409, 29602790, 25446393, 27839525, 16504786)

Fulgent Genetics
Classification: Pathogenic for Mitochondrial DNA depletion syndrome, myopathic form; Progressive external ophthalmoplegia with mitochondrial DNA deletions, autosomal recessive 3. Last evaluated: 2018-10-31. Review status: criteria provided, single submitter. Criteria: ACMG Guidelines, 2015. Collection method: clinical testing. Allele origin: unknown.

Laboratory for Molecular Medicine, Mass General Brigham Personalized Medicine
Classification: Likely pathogenic for Mitochondrial DNA depletion syndrome. Last evaluated: 2017-09-21. Review status: criteria provided, single submitter. Criteria: LMM Criteria. Collection method: clinical testing. Allele origin: germline. Inheritance: Autosomal recessive inheritance. Observed: 1 variant allele.
Comment: The p.Ala139Val (NM_004614.4 c.416C>T) (also referred to as p.Ala181Val in the l iterature) variant in TK2 has been reported in one compound heterozygous and one homozygous patients with mitochondrial DNA depletion syndrome and segregated in two affected siblings from two families (Galbiati 2006 and Knierim 2015). This variant has also been reported in ClinVar (Variation ID#5782). It has been ident ified in 5/126,712 of European chromosomes by the Genome Aggregation Database (g nomAD; dbSNP rs281865494). Although this varia nt has been seen in the general population, its frequency is low enough to be co nsistent with a recessive carrier frequency. Computational prediction tools and conservation analysis suggest that the p.Ala139Val variant may impact the protei n, though this information is not predictive enough to determine pathogenicity. In summary, although additional studies are required to fully establish its clin ical significance, the p.Ala139Val variant is likely pathogenic for TK2-related mitochondrial DNA depletion syndrome in an autosomal recessive manner based on i ts occurrence in individuals with this disease and low frequency in the general population.

PreventionGenetics, part of Exact Sciences
Classification: Pathogenic for TK2-related condition. Last evaluated: 2023-10-28. Review status: no assertion criteria provided. Collection method: clinical testing. Allele origin: germline. Not counted in ClinVar's aggregate classification.
Comment: The TK2 c.416C>T variant is predicted to result in the amino acid substitution p.Ala139Val. This variant has been reported in individuals with autosomal recessive mitochondrial DNA depletion syndrome (referred to as c.542C>T, p.Ala181Val, Fig 3b, Galbiati et al. 2006. PubMed ID: 16504786; Knierim et al. 2014. PubMed ID: 25446393; Mazurova et al. 2016. PubMed ID: 27839525; Figure 2, Garone et al. 2018. PubMed ID: 29602790; Table S3, Ganapathy et al. 2019. PubMed ID: 31069529; Papadimas et al. 2020. PubMed ID: 32904881). This variant is reported in 0.0046% of alleles in individuals of European (Non-Finnish) descent in gnomAD. This variant is interpreted as pathogenic.

Diagnostic Laboratory, Department of Genetics, University Medical Center Groningen
Classification: Pathogenic. Review status: no assertion criteria provided. Collection method: clinical testing. Allele origin: germline. Affected: yes. Study: VKGL Data-share Consensus. Not counted in ClinVar's aggregate classification.

Genome Diagnostics Laboratory, Amsterdam University Medical Center
Classification: Likely pathogenic. Review status: no assertion criteria provided. Collection method: clinical testing. Allele origin: germline. Affected: yes. Study: VKGL Data-share Consensus. Not counted in ClinVar's aggregate classification.

Literature cited by the submitters: PubMed 16504786 (cited by 4 submitters); PubMed 25446393 (cited by 4 submitters); PubMed 27839525 (cited by Genomenon, Inc and Women's Health and Genetics/Laboratory Corporation of America, LabCorp); PubMed 32904881 (cited by Genomenon, Inc); PubMed 26224072 (cited by Women's Health and Genetics/Laboratory Corporation of America, LabCorp).